The following is an entry in ClinVar:

NM_000321.3(RB1):c.265-9dup

Gene: RB1 (RB transcriptional corepressor 1; plus strand). Cytogenetic location: 13q14.2.
Variant type: Duplication.
Coding change: c.265-9dup on transcript NM_000321.3 (MANE Select); 9 bases into the intron before coding-DNA position 265, one base duplicated (T; older notation c.265-9dupT).
Molecular consequence: intron variant.
Genome position (GRCh38, 1-based): chr13:48,342,590, T duplicated; the last of 6 consecutive T bases (chr13:48,342,585-48,342,590); duplicating any one gives the same sequence. VCF-style (leftmost placement, unchanged base first): chr13-48342584-A-AT. GRCh37 (hg19) VCF-style: chr13-48916720-A-AT.
Other names: c.265-9dup (NM_001407165.1, NM_001407166.1).
Identifiers: ClinVar variation 3071042 (VCV003071042.1), dbSNP rs2542155728, ClinGen allele CA2825002187.

ClinVar aggregate classification (germline): Likely benign (1 of 4 stars; one submission).

Conditions:
Retinoblastoma (RB1). Also called: RETINOBLASTOMA, SOMATIC. Identifiers: Orphanet 790, MedGen C0035335, MeSH D012175, MONDO:0008380, OMIM 180200, HP:0009919. Disease mechanism: loss of function. Inheritance: Both sporadic and heritable forms are tested..

Submission:

All of Us Research Program, National Institutes of Health
Classification: Likely benign for Retinoblastoma. Last evaluated: 2023-05-16. Review status: criteria provided, single submitter. Criteria: ACMG Guidelines, 2015. Collection method: clinical testing. Allele origin: germline. Inheritance: Autosomal dominant inheritance. Observed: 1 variant allele, 1 heterozygote.
Comment: This study involves interpretation of variants in research participants for the purpose of population health screening. Participant phenotype was not available at the time of variant classification. Additional details can be found in publication PMID: 35346344, PMCID: PMC8962531